The following is an entry in ClinVar:

ClinVar aggregate classification (germline): Uncertain significance (1 of 4 stars; one submission).

Allele frequency attached by ClinVar (database versions not stated): gnomAD exomes 0.00002; gnomAD 0.00004; TOPMed 0.00005.
gnomAD v4.1: 19 of 834,030 alleles (0.0023%); highest among the groups gnomAD compares: Non-Finnish European, 0.0033%; no homozygotes.

Submission:

Labcorp Genetics (formerly Invitae), Labcorp
Classification: Uncertain significance. Last evaluated: 2022-10-25. Review status: criteria provided, single submitter. Criteria: Invitae Variant Classification Sherloc (09022015). Collection method: clinical testing. Allele origin: germline.
Comment: This variant occurs in a non-coding region of the EYS gene. It does not change the encoded amino acid sequence of the EYS protein. This variant is present in population databases (no rsID available, gnomAD 0.007%). This variant has not been reported in the literature in individuals affected with EYS-related conditions. ClinVar contains an entry for this variant (Variation ID: 1046562). Experimental studies and prediction algorithms are not available or were not evaluated, and the functional significance of this variant is currently unknown. In summary, the available evidence is currently insufficient to determine the role of this variant in disease. Therefore, it has been classified as a Variant of Uncertain Significance.

NM_001142800.2(EYS):c.-134G>T

Gene: EYS (eyes shut homolog; minus strand). Cytogenetic location: 6q12.
Variant type: single nucleotide variant.
Coding change: c.-134G>T on transcript NM_001142800.2 (MANE Select); 134 bases upstream of the start codon, G replaced by T.
Molecular consequence: 5 prime UTR variant.
Genome position (GRCh38, 1-based): chr6:65,495,544, C>A on the plus strand (G>T on the coding strand, the complement: EYS is on the minus strand). VCF-style: chr6-65495544-C-A. GRCh37 (hg19) VCF-style: chr6-66205437-C-A.
Other names: c.-134G>T (NM_001142801.2, NM_001292009.2, NM_198283.2).
Identifiers: ClinVar variation 1046562 (VCV001046562.4), dbSNP rs1355531772, ClinGen allele CA567773250.